The following is an entry in ClinVar:

ClinVar aggregate classification (germline): Uncertain significance (1 of 4 stars; one submission).

Conditions:
Myofibrillar myopathy 5. Also called: Filaminopathy (type); FILAMINOPATHY, AUTOSOMAL DOMINANT. Identifiers: Orphanet 171445, MedGen C1836050, MONDO:0012289, OMIM 609524.
Distal myopathy with posterior leg and anterior hand involvement. Also called: WILLIAMS DISTAL MYOPATHY. Identifiers: Orphanet 63273, MedGen C3279722, MONDO:0013550, OMIM 614065.
Hypertrophic cardiomyopathy 26. Also called: Cardiomyopathy, familial hypertrophic, 26. Identifiers: Orphanet 75249, MedGen C4310749, MONDO:0014883, OMIM 617047.

Submission:

Labcorp Genetics (formerly Invitae), Labcorp
Classification: Uncertain significance for Distal myopathy with posterior leg and anterior hand involvement; Myofibrillar myopathy 5; Hypertrophic cardiomyopathy 26. Last evaluated: 2022-07-19. Review status: criteria provided, single submitter. Criteria: Invitae Variant Classification Sherloc (09022015). Collection method: clinical testing. Allele origin: germline.
Comment: This variant is not present in population databases (gnomAD no frequency). This variant has not been reported in the literature in individuals affected with FLNC-related conditions. ClinVar contains an entry for this variant (Variation ID: 1381325). Algorithms developed to predict the effect of missense changes on protein structure and function are either unavailable or do not agree on the potential impact of this missense change (SIFT: "Deleterious"; PolyPhen-2: "Possibly Damaging"; Align-GVGD: "Class C0"). In summary, the available evidence is currently insufficient to determine the role of this variant in disease. Therefore, it has been classified as a Variant of Uncertain Significance. This sequence change replaces lysine, which is basic and polar, with threonine, which is neutral and polar, at codon 2616 of the FLNC protein (p.Lys2616Thr).

NM_001458.5(FLNC):c.7847A>C (p.Lys2616Thr)

Genes: FLNC-AS1 (FLNC antisense RNA 1; minus strand), FLNC (filamin C; plus strand). Cytogenetic location: 7q32.1.
Variant type: single nucleotide variant.
Coding change: c.7847A>C on transcript NM_001458.5 (MANE Select); coding-DNA position 7847, A replaced by C.
Protein change: p.Lys2616Thr; replaces lysine 2616 with threonine.
Molecular consequence: missense variant.
Genome position (GRCh38, 1-based): chr7:128,858,074, A>C. VCF-style: chr7-128858074-A-C. GRCh37 (hg19) VCF-style: chr7-128498128-A-C.
Other names: c.7748A>C, p.Lys2583Thr (NM_001127487.2); short protein forms K2616T, K2583T.
Identifiers: ClinVar variation 1381325 (VCV001381325.8), dbSNP rs1585172975, ClinGen allele CA369220172.